The following is an entry in ClinVar:

ClinVar aggregate classification (germline): Likely pathogenic (1 of 4 stars; one submission).

Conditions:
Developmental and epileptic encephalopathy 94 (DEE94). Also called: CHD2-Related Neurodevelopmental Disorders; Epileptic encephalopathy, childhood-onset. Identifiers: Orphanet 1942, Orphanet 2382, MedGen C3809278, MONDO:0014150, OMIM 615369.

Submission:

Labcorp Genetics (formerly Invitae), Labcorp
Classification: Likely pathogenic for Developmental and epileptic encephalopathy 94. Last evaluated: 2019-03-28. Review status: criteria provided, single submitter. Criteria: Invitae Variant Classification Sherloc (09022015). Collection method: clinical testing. Allele origin: germline.
Comment: Algorithms developed to predict the effect of sequence changes on RNA splicing suggest that this variant is not likely to affect RNA splicing, but this prediction has not been confirmed by published transcriptional studies. In summary, the currently available evidence indicates that the variant is pathogenic, but additional data are needed to prove that conclusively. Therefore, this variant has been classified as Likely Pathogenic. This variant has been reported to arise de novo in an individual affected with Lennox Gastaut Syndrome (LGS) (PMID: 25262651). This variant is not present in population databases (ExAC no frequency). This sequence change affects codon 130 of the CHD2 mRNA. It is a 'silent' change, meaning that it does not change the encoded amino acid sequence of the CHD2 protein.

Literature cited by the submitters: PubMed 25262651.

NM_001271.4(CHD2):c.390C>T (p.Ser130=)

Gene: CHD2 (chromodomain helicase DNA binding protein 2; plus strand). Cytogenetic location: 15q26.1.
Variant type: single nucleotide variant.
Coding change: c.390C>T on transcript NM_001271.4 (MANE Select); coding-DNA position 390, C replaced by T.
Protein change: p.Ser130=; no amino-acid change (serine 130 retained).
Molecular consequence: synonymous variant.
Genome position (GRCh38, 1-based): chr15:92,929,038, C>T. VCF-style: chr15-92929038-C-T. GRCh37 (hg19) VCF-style: chr15-93472268-C-T.
Other names: c.390C>T, p.Ser130= (NM_001042572.3).
Identifiers: ClinVar variation 474387 (VCV000474387.11), dbSNP rs1555437851, ClinGen allele CA492490494.